The following is an entry in ClinVar:

ClinVar aggregate classification (germline): Uncertain significance. Review status: criteria provided, multiple submitters, no conflicts (2 of 4 stars). 2 submissions from 2 submitters: Uncertain significance (2). Last evaluated 2022-08-20.

Conditions:
Bardet-Biedl syndrome (BBS). Identifiers: Orphanet 110, MedGen C0752166, MONDO:0015229.

Allele frequency attached by ClinVar (database versions not stated): TOPMed 0.00001.

Submissions (2):

Labcorp Genetics (formerly Invitae), Labcorp
Classification: Uncertain significance for Bardet-Biedl syndrome. Last evaluated: 2022-08-20. Review status: criteria provided, single submitter. Criteria: Invitae Variant Classification Sherloc (09022015). Collection method: clinical testing. Allele origin: germline.
Comment: This variant is present in population databases (no rsID available, gnomAD 0.006%). This sequence change replaces proline, which is neutral and non-polar, with arginine, which is basic and polar, at codon 176 of the BBS9 protein (p.Pro176Arg). This variant has not been reported in the literature in individuals affected with BBS9-related conditions. Algorithms developed to predict the effect of missense changes on protein structure and function (SIFT, PolyPhen-2, Align-GVGD) all suggest that this variant is likely to be disruptive. In summary, the available evidence is currently insufficient to determine the role of this variant in disease. Therefore, it has been classified as a Variant of Uncertain Significance.

Blueprint Genetics
Classification: Uncertain significance. Last evaluated: 2021-12-26. Review status: criteria provided, single submitter. Criteria: ACMG Guidelines, 2015. Collection method: clinical testing. Allele origin: germline.

NM_198428.3(BBS9):c.527C>G (p.Pro176Arg)

Gene: BBS9 (Bardet-Biedl syndrome 9; plus strand). Cytogenetic location: 7p14.3.
Variant type: single nucleotide variant.
Coding change: c.527C>G on transcript NM_198428.3 (MANE Select); coding-DNA position 527, C replaced by G.
Protein change: p.Pro176Arg; replaces proline 176 with arginine.
Molecular consequence: missense variant. On other transcripts: non-coding transcript variant (3).
Genome position (GRCh38, 1-based): chr7:33,257,320, C>G. VCF-style: chr7-33257320-C-G. GRCh37 (hg19) VCF-style: chr7-33296932-C-G.
Other names: c.527C>G, p.Pro176Arg (NM_001033604.2, NM_001033605.2, NM_001348036.1 and 7 more transcripts); c.161C>G, p.Pro54Arg (NM_001348037.3, NM_001348044.3, NM_001348045.3 and 1 more transcripts); c.254C>G, p.Pro85Arg (NM_001348038.3, NM_001348039.3); c.392C>G, p.Pro131Arg (NM_001348042.3); short protein forms P131R, P54R, P85R, P176R.
Identifiers: ClinVar variation 2005483 (VCV002005483.5), dbSNP rs1243065905, ClinGen allele CA367252871.